The following is an entry in ClinVar:

ClinVar aggregate classification (germline): Likely pathogenic. Review status: reviewed by expert panel (3 of 4 stars). 4 submissions from 4 submitters: Likely pathogenic (1). 3 of the submissions do not count toward it. Last evaluated 2019-06-21.

Conditions:
Hereditary nonpolyposis colorectal neoplasms. Identifiers: MedGen C0009405, MeSH D003123.
Hereditary cancer-predisposing syndrome. Also called: Neoplastic Syndromes, Hereditary; Hereditary neoplastic syndrome; Tumor predisposition; Hereditary Cancer Syndrome. Identifiers: Orphanet 140162, MedGen C0027672, MeSH D009386, MONDO:0015356.
Lynch syndrome. Identifiers: Orphanet 144, MedGen C4552100, MONDO:0005835. Disease mechanism: loss of function.
Lynch syndrome 4 (LYNCH4). Also called: Colorectal cancer, hereditary nonpolyposis, type 4; Hereditary non-polyposis colorectal cancer, type 4. Identifiers: Orphanet 144, MedGen C1838333, MONDO:0013699, OMIM 614337. Disease mechanism: loss of function.

Submissions (4):

International Society for Gastrointestinal Hereditary Tumours (InSiGHT)
Classification: Likely pathogenic for Lynch syndrome. Last evaluated: 2019-06-21. Review status: reviewed by expert panel. Criteria: Guidelines v2.4. Collection method: curation. Allele origin: germline. Affected: yes.
Comment: Interrupts canonical donor splice site

Ambry Genetics
Classification: Likely pathogenic for Hereditary cancer-predisposing syndrome. Last evaluated: 2026-04-01. Review status: criteria provided, single submitter. Criteria: Ambry Variant Classification Scheme 2023. Collection method: clinical testing. Allele origin: germline. Not counted in ClinVar's aggregate classification.
Comment: The c.2007-1G>A intronic variant results from a G to A substitution one nucleotide upstream from coding exon 12 of the PMS2 gene. Variants that disrupt the canonical splice site are expected to result in aberrant splicing. In silico splice site analysis predicts that this alteration will weaken the native splice acceptor site and will result in the creation or strengthening of a novel splice acceptor site. A resulting transcript is predicted to be in-frame and is not expected to trigger nonsense-mediated mRNAdecay; although, direct evidence is unavailable. However, the impacted region is critical for protein function and a significant portion of the protein is affected (Ambry internal data). This variant is considered to be rare based on population cohorts in the Genome Aggregation Database (gnomAD). This nucleotide position is highly conserved in available vertebrate species. Based on the majority of available evidence to date, this variant is likely to be pathogenic.

Myriad Genetics, Inc.
Classification: Pathogenic for Lynch syndrome 4. Last evaluated: 2025-03-14. Review status: criteria provided, single submitter. Criteria: Myriad Autosomal Dominant, Autosomal Recessive and X-Linked Classification Criteria (2023). Collection method: clinical testing. Allele origin: unknown. Not counted in ClinVar's aggregate classification.
Comment: This variant is considered pathogenic. This variant occurs within a consensus splice junction and is predicted to result in abnormal mRNA splicing of either an out-of-frame exon or an in-frame exon necessary for protein stability and/or normal function. This variant has been reported in multiple individuals with clinical features of gene-specific disease [PMID: 26318770, 30013564, 32642664].

Labcorp Genetics (formerly Invitae), Labcorp
Classification: Pathogenic for Hereditary nonpolyposis colorectal neoplasms. Last evaluated: 2024-07-30. Review status: criteria provided, single submitter. Criteria: Invitae Variant Classification Sherloc (09022015). Collection method: clinical testing. Allele origin: germline. Not counted in ClinVar's aggregate classification.
Comment: This sequence change affects an acceptor splice site in intron 11 of the PMS2 gene. It is expected to disrupt RNA splicing. Variants that disrupt the donor or acceptor splice site typically lead to a loss of protein function (PMID: 16199547), and loss-of-function variants in PMS2 are known to be pathogenic (PMID: 21376568, 24362816). The frequency data for this variant in the population databases (gnomAD) is considered unreliable due to the presence of homologous sequence, such as pseudogenes or paralogs, in the genome. Disruption of this splice site has been observed in individuals with colorectal cancer and/or endometrial cancer and/or constitutional mismatch repair deficiency syndrome (PMID: 24763289, 26318770, 30013564). ClinVar contains an entry for this variant (Variation ID: 91326). Algorithms developed to predict the effect of sequence changes on RNA splicing suggest that this variant may disrupt the consensus splice site. For these reasons, this variant has been classified as Pathogenic.

Literature cited by the submitters: PubMed 26318770 (cited by Myriad Genetics, Inc. and Labcorp Genetics (formerly Invitae), Labcorp); PubMed 30013564 (cited by Myriad Genetics, Inc. and Labcorp Genetics (formerly Invitae), Labcorp); PubMed 32642664 (cited by Myriad Genetics, Inc.); PubMed 16199547 (cited by Labcorp Genetics (formerly Invitae), Labcorp); PubMed 21376568 (cited by Labcorp Genetics (formerly Invitae), Labcorp); PubMed 24362816 (cited by Labcorp Genetics (formerly Invitae), Labcorp); PubMed 24763289 (cited by Labcorp Genetics (formerly Invitae), Labcorp).

NM_000535.7(PMS2):c.2007-1G>A

Gene: PMS2 (PMS1 homolog 2, mismatch repair system component; minus strand). Cytogenetic location: 7p22.1.
Variant type: single nucleotide variant.
Coding change: c.2007-1G>A on transcript NM_000535.7 (MANE Select); the canonical splice acceptor site of the intron before coding-DNA position 2007, G replaced by A.
Molecular consequence: splice acceptor variant. On other transcripts: intron variant (4).
Genome position (GRCh38, 1-based): chr7:5,982,992, C>T on the plus strand (G>A on the coding strand, the complement: PMS2 is on the minus strand). VCF-style: chr7-5982992-C-T. GRCh37 (hg19) VCF-style: chr7-6022623-C-T.
Other names: c.1688+3767G>A (NM_001406903.1); c.1689-1G>A (NM_001322007.2, NM_001406876.1, NM_001322008.2 and 1 more transcripts); c.1542-1G>A (NM_001406900.1); c.1434-1G>A (NM_001406909.1, NM_001322013.2); c.1446-1G>A (NM_001406907.1, NM_001322010.2, NM_001406906.1); c.1602-1G>A (NM_001406892.1, NM_001406888.1, NM_001406890.1 and 14 more transcripts); c.1698-1G>A (NM_001406880.1, NM_001406878.1, NM_001406882.1 and 5 more transcripts); c.1641-1G>A (NM_001406886.1); and 16 more.
Identifiers: ClinVar variation 91326 (VCV000091326.9), dbSNP rs267608170, ClinGen allele CA010684.